The following is an entry in ClinVar:

ClinVar aggregate classification (germline): Uncertain significance (1 of 4 stars; one submission).

Submission:

GeneDx
Classification: Uncertain significance. Last evaluated: 2023-05-01. Review status: criteria provided, single submitter. Criteria: GeneDx Variant Classification Process June 2021. Collection method: clinical testing. Allele origin: germline. Affected: yes.
Comment: Not observed at significant frequency in large population cohorts (gnomAD); In silico analysis supports that this missense variant does not alter protein structure/function; Has not been previously published as pathogenic or benign to our knowledge

NM_000601.6(HGF):c.2141A>G (p.Lys714Arg)

Gene: HGF (hepatocyte growth factor; minus strand). Cytogenetic location: 7q21.11.
Variant type: single nucleotide variant.
Coding change: c.2141A>G on transcript NM_000601.6 (MANE Select); coding-DNA position 2141, A replaced by G.
Protein change: p.Lys714Arg; replaces lysine 714 with arginine.
Molecular consequence: missense variant.
Genome position (GRCh38, 1-based): chr7:81,702,627, T>C on the plus strand (A>G on the coding strand, the complement: HGF is on the minus strand). VCF-style: chr7-81702627-T-C. GRCh37 (hg19) VCF-style: chr7-81331943-T-C.
Other names: c.2126A>G, p.Lys709Arg (NM_001010932.3); short protein forms K709R, K714R.
Identifiers: ClinVar variation 2661966 (VCV002661966.1), dbSNP rs2535209715, ClinGen allele CA367871492.
Genomic context (GRCh38, chr7:81,702,627, plus strand): 5'-CACACTTACTTCAGCTATGACTGTGGTACCTTATATGTTAAAATAATTTTGTGTATCCAT[T>C]TTGCATAATATGCTACTCGGACAAAAATACCAGGACGATTTGGAATGGCACATCCACGAC-3'
Protein context (NP_000592.3, residues 704-724): GIFVRVAYYA[Lys714Arg]WIHKIILTYK